The following is an entry in ClinVar:

ClinVar aggregate classification (germline): Benign. Review status: criteria provided, multiple submitters, no conflicts (2 of 4 stars). 12 submissions from 12 submitters: Benign (9). 3 of the submissions do not count toward it. Last evaluated 2026-02-04.

Conditions:
Bilateral frontoparietal polymicrogyria. Also called: CEREBELLAR ATAXIA WITH NEURONAL MIGRATION DEFECT; CORTICAL DYSPLASIA, COMPLEX, WITH OTHER BRAIN MALFORMATIONS 14A (BILATERAL FRONTOPARIETAL). Identifiers: Orphanet 101070, MedGen C1847352, MONDO:0011738, OMIM 606854.

Allele frequency attached by ClinVar (database versions not stated): gnomAD exomes 0.01172 and 0.02458; ExAC 0.02718; gnomAD 0.05188 and 0.05376; ESP Exome Variant Server 0.05679; TOPMed 0.05953; 1000 Genomes Project 0.07428; 1000 Genomes Project 30x 0.07573.
gnomAD v4.1: 25,730 of 1,604,548 alleles (1.6%); highest among the groups gnomAD compares: African/African-American, 16%; 1,218 homozygotes.

Submissions (12):

Labcorp Genetics (formerly Invitae), Labcorp
Classification: Benign. Last evaluated: 2026-02-04. Review status: criteria provided, single submitter. Criteria: Invitae Variant Classification Sherloc (09022015). Collection method: clinical testing. Allele origin: germline.

Blueprint Genetics
Classification: Benign. Last evaluated: 2024-11-27. Review status: criteria provided, single submitter. Criteria: ACMG Guidelines, 2015. Collection method: clinical testing. Allele origin: germline.

Athena Diagnostics
Classification: Benign. Last evaluated: 2024-04-04. Review status: criteria provided, single submitter. Criteria: Athena Diagnostics Criteria. Collection method: clinical testing. Allele origin: unknown.

Mayo Clinic Laboratories, Mayo Clinic
Classification: Benign. Last evaluated: 2018-04-10. Review status: criteria provided, single submitter. Criteria: ACMG Guidelines, 2015. Collection method: clinical testing. Allele origin: germline. Observed: 40 variant alleles.

Illumina Laboratory Services, Illumina
Classification: Benign for Bilateral frontoparietal polymicrogyria. Last evaluated: 2018-01-12. Review status: criteria provided, single submitter. Criteria: ICSL Variant Classification Criteria 13 December 2019. Collection method: clinical testing. Allele origin: germline.
Comment: This variant was observed in the ICSL laboratory as part of a predisposition screen in an ostensibly healthy population. It had not been previously curated by ICSL or reported in the Human Gene Mutation Database (HGMD: prior to June 1st, 2018), and was therefore a candidate for classification through an automated scoring system. Utilizing variant allele frequency, disease prevalence and penetrance estimates, and inheritance mode, an automated score was calculated to assess if this variant is too frequent to cause the disease. Based on the score and internal cut-off values, a variant classified as benign is not then subjected to further curation. The score for this variant resulted in a classification of benign for this disease.

GeneDx
Classification: Benign. Last evaluated: 2014-05-15. Review status: criteria provided, single submitter. Criteria: GeneDx Variant Classification (06012015). Collection method: clinical testing. Allele origin: germline. Affected: yes.
Comment: This variant is considered likely benign or benign based on one or more of the following criteria: it is a conservative change, it occurs at a poorly conserved position in the protein, it is predicted to be benign by multiple in silico algorithms, and/or has population frequency not consistent with disease.

Genetic Services Laboratory, University of Chicago
Classification: Benign. Last evaluated: 2013-02-08. Review status: criteria provided, single submitter. Criteria: ACMG Guidelines, 2007. Collection method: clinical testing. Allele origin: germline. Inheritance: Autosomal recessive inheritance.

Breakthrough Genomics
Classification: Benign. Review status: criteria provided, single submitter. Criteria: ACMG Guidelines, 2015. Collection method: not provided. Allele origin: germline. Inheritance: Autosomal recessive inheritance. Affected: yes.

PreventionGenetics, part of Exact Sciences
Classification: Benign. Review status: criteria provided, single submitter. Criteria: ACMG Guidelines, 2015. Collection method: clinical testing. Allele origin: germline.

Natera, Inc.
Classification: Benign for Bilateral frontoparietal polymicrogyria. Last evaluated: 2020-09-16. Review status: no assertion criteria provided. Collection method: clinical testing. Allele origin: germline. Not counted in ClinVar's aggregate classification.

Clinical Genetics DNA and cytogenetics Diagnostics Lab, Erasmus MC, Erasmus Medical Center
Classification: Benign. Review status: no assertion criteria provided. Collection method: clinical testing. Allele origin: germline. Affected: yes. Study: VKGL Data-share Consensus. Not counted in ClinVar's aggregate classification.

Laboratory of Diagnostic Genome Analysis, Leiden University Medical Center (LUMC)
Classification: Likely benign. Review status: no assertion criteria provided. Collection method: clinical testing. Allele origin: germline. Affected: yes. Study: VKGL Data-share Consensus. Not counted in ClinVar's aggregate classification.

Literature cited by the submitters: PubMed 37301908 (cited by Athena Diagnostics).

NM_201525.4(ADGRG1):c.1286+6G>A

Gene: ADGRG1 (adhesion G protein-coupled receptor G1; plus strand). Cytogenetic location: 16q21.
Variant type: single nucleotide variant.
Coding change: c.1286+6G>A on transcript NM_201525.4 (MANE Select); 6 bases into the intron after coding-DNA position 1286, G replaced by A.
Molecular consequence: intron variant.
Genome position (GRCh38, 1-based): chr16:57,657,497, G>A. VCF-style: chr16-57657497-G-A. GRCh37 (hg19) VCF-style: chr16-57691409-G-A.
Other names: p.?; c.1286+6G>A (NM_001370440.1, NM_001370428.1, NM_001370436.1 and 14 more transcripts); c.776+6G>A (NM_001290142.2); c.761+6G>A (NM_001370451.1, NM_001290143.2, NM_001370453.1 and 2 more transcripts); c.1283+6G>A (NM_001370434.1, NM_001370441.1); c.1130+6G>A (NM_001370442.1); c.1301+6G>A (NM_001370433.1, NM_001145773.3).
Identifiers: ClinVar variation 137494 (VCV000137494.25), dbSNP rs74326170, ClinGen allele CA172246.